The following is an entry in ClinVar:

ClinVar aggregate classification (germline): Uncertain significance. Review status: criteria provided, multiple submitters, no conflicts (2 of 4 stars). 2 submissions from 2 submitters: Uncertain significance (2). Last evaluated 2026-04-06.

Conditions:
Inborn genetic diseases. Identifiers: MedGen C0950123, MeSH D030342.
RYR1-related disorder. Also called: RYR1-related condition; RYR1-related disorders. Identifiers: MedGen CN239331.

gnomAD v4.1: 15 of 1,443,532 alleles (0.001%); highest among the groups gnomAD compares: South Asian, 0.02%; no homozygotes.

Submissions (2):

Ambry Genetics
Classification: Uncertain significance for Inborn genetic diseases. Last evaluated: 2026-04-06. Review status: criteria provided, single submitter. Criteria: Ambry Variant Classification Scheme 2023. Collection method: clinical testing. Allele origin: germline.
Comment: The c.13274C>A (p.A4425E) alteration is located in exon 91 (coding exon 91) of the RYR1 gene. This alteration results from a C to A substitution at nucleotide position 13274, causing the alanine (A) at amino acid position 4425 to be replaced by a glutamic acid (E). Based on data from gnomAD, the A allele has an overall frequency of 0.005% (3/55184) total alleles studied. The highest observed frequency was 0.029% (3/10244) of South Asian alleles. Based on insufficient or conflicting evidence, the clinical significance of this alteration remains unclear.

Labcorp Genetics (formerly Invitae), Labcorp
Classification: Uncertain significance for RYR1-related disorder. Last evaluated: 2025-11-21. Review status: criteria provided, single submitter. Criteria: Invitae Variant Classification Sherloc (09022015). Collection method: clinical testing. Allele origin: germline.
Comment: This sequence change replaces alanine, which is neutral and non-polar, with glutamic acid, which is acidic and polar, at codon 4425 of the RYR1 protein (p.Ala4425Glu). This variant is present in population databases (rs758514122, gnomAD 0.03%). This variant has not been reported in the literature in individuals affected with RYR1-related conditions. Invitae Evidence Modeling of protein sequence and biophysical properties (such as structural, functional, and spatial information, amino acid conservation, physicochemical variation, residue mobility, and thermodynamic stability) indicates that this missense variant is not expected to disrupt RYR1 protein function with a negative predictive value of 80%. Algorithms developed to predict the effect of sequence changes on RNA splicing suggest that this variant may create or strengthen a splice site. In summary, the available evidence is currently insufficient to determine the role of this variant in disease. Therefore, it has been classified as a Variant of Uncertain Significance.

NM_000540.3(RYR1):c.13274C>A (p.Ala4425Glu)

Gene: RYR1 (ryanodine receptor 1; plus strand). Cytogenetic location: 19q13.2.
Variant type: single nucleotide variant.
Coding change: c.13274C>A on transcript NM_000540.3 (MANE Select); coding-DNA position 13274, C replaced by A.
Protein change: p.Ala4425Glu; replaces alanine 4425 with glutamic acid.
Molecular consequence: missense variant.
Genome position (GRCh38, 1-based): chr19:38,565,608, C>A. VCF-style: chr19-38565608-C-A. GRCh37 (hg19) VCF-style: chr19-39056248-C-A.
Other names: c.13259C>A, p.Ala4420Glu (NM_001042723.2); short protein forms A4425E, A4420E.
Identifiers: ClinVar variation 4745233 (VCV004745233.2).